The following is an entry in ClinVar:

ClinVar aggregate classification (germline): Pathogenic. Review status: criteria provided, multiple submitters, no conflicts (2 of 4 stars). 3 submissions from 3 submitters: Pathogenic (2). 1 of the submissions does not count toward it. Last evaluated 2024-09-22.

Conditions:
Familial adenomatous polyposis 1 (FAP1). Also called: FAMILIAL ADENOMATOUS POLYPOSIS 1, ATTENUATED; POLYPOSIS, ADENOMATOUS INTESTINAL. Identifiers: MedGen C2713442, MONDO:0021056, OMIM 175100. Disease mechanism: loss of function.
Carcinoma of colon (CRC). Also called: Colon carcinoma; Colonic carcinoma. Identifiers: MedGen C0699790, MONDO:0002032.
APC-related disorder. Also called: APC-related condition.

Submissions (3):

Victorian Clinical Genetics Services, Murdoch Childrens Research Institute
Classification: Pathogenic for Familial adenomatous polyposis 1. Last evaluated: 2024-09-22. Review status: criteria provided, single submitter. Criteria: ACMG Guidelines, 2015. Collection method: clinical testing. Allele origin: germline. Inheritance: Autosomal dominant inheritance. Affected: yes.
Comment: Based on the classification scheme VCGS_Germline_v1.3.4, this variant is classified as Pathogenic. Following criteria are met: 0102 - Loss of function is a known mechanism of disease in this gene and is associated with familial adenomatous polyposis (FAP; MIM#175100). (I) 0107 - This gene is associated with autosomal dominant disease. (I) 0112 - The condition associated with this gene has incomplete penetrance in association with attenuated FAP, however classic FAP is reported to have complete penetrance (PMID: 20301519). (I) 0115 - Variants in this gene are known to have variable expressivity, with known intra and interfamilial variability (PMID: 20301519). (I) 0201 - Variant is predicted to cause nonsense-mediated decay (NMD) and loss of protein (premature termination codon is located at least 54 nucleotides upstream of the final exon-exon junction). (SP) 0251 - This variant is heterozygous. (I) 0301 - Variant is absent from gnomAD (both v2 and v3). (SP) 0701 - Other variants predicted to result in NMD comparable to the one identified in this case have very strong previous evidence for pathogenicity (DECIPHER). (SP) 0802 - This variant has moderate previous evidence of pathogenicity in unrelated individuals with familial adenomatous polyposis (ClinVar, PMIDs: 20685668, 14729851, 14961559). (SP) 1208 - Inheritance information for this variant is not currently available in this individual. (I) Legend: (SP) - Supporting pathogenic, (I) - Information, (SB) - Supporting benign

Blueprint Genetics
Classification: Pathogenic for APC-related disorders. Last evaluated: 2021-05-05. Review status: criteria provided, single submitter. Criteria: ACMG Guidelines, 2015. Collection method: clinical testing. Allele origin: germline. Affected: yes. Observed: 1 variant allele.

Department of Pathology and Laboratory Medicine, Sinai Health System
Classification: Pathogenic for Carcinoma of colon. Review status: no assertion criteria provided. Collection method: clinical testing. Allele origin: unknown. Affected: yes. Observed: 1 variant allele. Study: The Canadian Open Genetics Repository (COGR). Not counted in ClinVar's aggregate classification.
Comment: The APC p.His298LeufsX28 variant was identified in 2 of 680 proband chromosomes (frequency: 0.003) from individuals or families with familial adenomatous polyposis), and was absent in 200 control chromosomes from healthy individuals (DeRosa 2003, Plawski 2008). This variant was also identified in the UMD (6X), HGMD, COSMIC, and InSiGHT Colon Cancer databases. The p.His298LeufsX28deletion variant is predicted to cause a frameshift, which alters the protein's amino acid sequence beginning at codon 298 and leads to a premature stop codon 28 codons downstream. This alteration is then predicted to result in a truncated or absent protein and loss of function. Loss of function variants of the APC gene are an established mechanism of disease in familial adenomatous polyposis and is the type of variant expected to cause the disorder. In summary, based on the above information, this variant meets our laboratoryâ€šÃ„Ã´s criteria to be classified as pathogenic.

Literature cited by the submitters: PubMed 14729851 (cited by Victorian Clinical Genetics Services, Murdoch Childrens Research Institute); PubMed 14961559 (cited by Victorian Clinical Genetics Services, Murdoch Childrens Research Institute); PubMed 20301519 (cited by Victorian Clinical Genetics Services, Murdoch Childrens Research Institute); PubMed 20685668 (cited by Victorian Clinical Genetics Services, Murdoch Childrens Research Institute).

NM_000038.6(APC):c.893_894del (p.His298fs)

Gene: APC (APC regulator of Wnt signaling pathway; plus strand). Cytogenetic location: 5q22.2.
Variant type: Microsatellite.
Coding change: c.893_894del on transcript NM_000038.6 (MANE Select); coding-DNA positions 893 to 894, 2 bases deleted (AC; older notation c.893_894delAC).
Protein change: p.His298fs; shifts the reading frame from histidine 298.
Molecular consequence: frameshift variant.
Genome position (GRCh38, 1-based): chr5:112,815,553-112,815,554, AC deleted; deleting any 2 consecutive bases within chr5:112,815,548-112,815,554 gives the same sequence; the c. name uses the placement nearest the transcript's 3' end. VCF-style (leftmost placement, unchanged base first): chr5-112815547-GCA-G. GRCh37 (hg19) VCF-style: chr5-112151244-GCA-G.
Other names: c.893_894del, p.His298fs (NM_001127510.3, NM_001354895.2, NM_001354896.2 and 1 more transcripts); c.839_840del, p.His280fs (NM_001127511.3); c.923_924del, p.His308fs (NM_001354897.2, NM_001354902.2); c.818_819del, p.His273fs (NM_001354898.2, NM_001354904.2); c.809_810del, p.His270fs (NM_001354899.2); c.716_717del, p.His239fs (NM_001354900.2, NM_001354901.2, NM_001354905.2); c.44_45del, p.His15fs (NM_001354906.2); short protein forms H273fs, H280fs, H15fs, H298fs, H239fs, H270fs, H308fs.
Identifiers: ClinVar variation 433615 (VCV000433615.5), dbSNP rs1114167567, ClinGen allele CA645372416.